The following is an entry in ClinVar:

ClinVar aggregate classification (germline): Uncertain significance (1 of 4 stars; one submission).

Conditions:
Amyloidosis, hereditary systemic 1 (AMYLD1). Also called: Isolated Cardiac Amyloidosis; Amyloid Cardiomyopathy, Transthyretin-related; Familial amyloid polyneuropathy; Transthyretin Amyloidosis; AMYLOID CARDIOMYOPATHY; Hereditary Transthyretin Amyloidosis. Identifiers: Orphanet 85447, Orphanet 85451, MedGen C2751492, MONDO:0971004, OMIM 105210.

gnomAD v4.1: 1 of 1,614,174 alleles (0.000062%); highest among the groups gnomAD compares: Non-Finnish European, 0.000085%; no homozygotes.

Submission:

Labcorp Genetics (formerly Invitae), Labcorp
Classification: Uncertain significance for Amyloidosis, hereditary systemic 1. Last evaluated: 2021-03-07. Review status: criteria provided, single submitter. Criteria: Invitae Variant Classification Sherloc (09022015). Collection method: clinical testing. Allele origin: germline.
Comment: This sequence change replaces tryptophan with serine at codon 99 of the TTR protein (p.Trp99Ser). The tryptophan residue is highly conserved and there is a large physicochemical difference between tryptophan and serine. This variant is not present in population databases (ExAC no frequency). This variant has not been reported in the literature in individuals with TTR-related conditions. Advanced modeling of protein sequence and biophysical properties (such as structural, functional, and spatial information, amino acid conservation, physicochemical variation, residue mobility, and thermodynamic stability) performed at Invitae indicates that this missense variant is expected to disrupt TTR protein function. In summary, the available evidence is currently insufficient to determine the role of this variant in disease. Therefore, it has been classified as a Variant of Uncertain Significance.

NM_000371.4(TTR):c.296G>C (p.Trp99Ser)

Gene: TTR (transthyretin; plus strand). Cytogenetic location: 18q12.1.
Variant type: single nucleotide variant.
Coding change: c.296G>C on transcript NM_000371.4 (MANE Select); coding-DNA position 296, G replaced by C.
Protein change: p.Trp99Ser; replaces tryptophan 99 with serine.
Molecular consequence: missense variant.
Genome position (GRCh38, 1-based): chr18:31,595,215, G>C. VCF-style: chr18-31595215-G-C. GRCh37 (hg19) VCF-style: chr18-29175178-G-C.
Other names: short protein forms W99S.
Identifiers: ClinVar variation 1511776 (VCV001511776.6), dbSNP rs730881171, ClinGen allele CA402157082.